The following is an entry in ClinVar:

ClinVar aggregate classification (germline): Uncertain significance. Review status: criteria provided, multiple submitters, no conflicts (2 of 4 stars). 3 submissions from 3 submitters: Uncertain significance (2). 1 of the submissions does not count toward it. Last evaluated 2023-09-15.

Conditions:
ZFYVE26-related disorder. Also called: ZFYVE26-related condition.
Spastic paraplegia. Identifiers: MedGen C0037772, HP:0001258.

Allele frequency attached by ClinVar (database versions not stated): gnomAD exomes 0.00005; ExAC 0.00013; ESP Exome Variant Server 0.00031; TOPMed 0.00042; gnomAD 0.00044; 1000 Genomes Project 30x 0.00078; 1000 Genomes Project 0.00080.
gnomAD v4.1: 145 of 1,614,124 alleles (0.009%); highest among the groups gnomAD compares: African/African-American, 0.16%; no homozygotes.

Submissions (3):

GeneDx
Classification: Uncertain significance. Last evaluated: 2023-09-15. Review status: criteria provided, single submitter. Criteria: GeneDx Variant Classification Process June 2021. Collection method: clinical testing. Allele origin: germline. Affected: yes.
Comment: In silico analysis supports that this missense variant does not alter protein structure/function; Has not been previously published as pathogenic or benign to our knowledge

Labcorp Genetics (formerly Invitae), Labcorp
Classification: Uncertain significance for Spastic paraplegia. Last evaluated: 2022-08-10. Review status: criteria provided, single submitter. Criteria: Invitae Variant Classification Sherloc (09022015). Collection method: clinical testing. Allele origin: germline.
Comment: This sequence change replaces aspartic acid, which is acidic and polar, with histidine, which is basic and polar, at codon 159 of the ZFYVE26 protein (p.Asp159His). This variant is present in population databases (rs141070647, gnomAD 0.2%). This variant has not been reported in the literature in individuals affected with ZFYVE26-related conditions. Algorithms developed to predict the effect of missense changes on protein structure and function are either unavailable or do not agree on the potential impact of this missense change (SIFT: "Tolerated"; PolyPhen-2: "Probably Damaging"; Align-GVGD: "Class C0"). In summary, the available evidence is currently insufficient to determine the role of this variant in disease. Therefore, it has been classified as a Variant of Uncertain Significance.

PreventionGenetics, part of Exact Sciences
Classification: Likely benign for ZFYVE26-related condition. Last evaluated: 2022-12-20. Review status: no assertion criteria provided. Collection method: clinical testing. Allele origin: germline. Not counted in ClinVar's aggregate classification.
Comment: This variant is classified as likely benign based on ACMG/AMP sequence variant interpretation guidelines (Richards et al. 2015 PMID: 25741868, with internal and published modifications).

NM_015346.4(ZFYVE26):c.475G>C (p.Asp159His)

Gene: ZFYVE26 (zinc finger FYVE-type containing 26; minus strand). Cytogenetic location: 14q24.1.
Variant type: single nucleotide variant.
Coding change: c.475G>C on transcript NM_015346.4 (MANE Select); coding-DNA position 475, G replaced by C.
Protein change: p.Asp159His; replaces aspartic acid 159 with histidine.
Molecular consequence: missense variant.
Genome position (GRCh38, 1-based): chr14:67,807,809, C>G on the plus strand (G>C on the coding strand, the complement: ZFYVE26 is on the minus strand). VCF-style: chr14-67807809-C-G. GRCh37 (hg19) VCF-style: chr14-68274526-C-G.
Other names: c.475G>C (NM_015346.3); short protein forms D159H.
Identifiers: ClinVar variation 2139487 (VCV002139487.3), dbSNP rs141070647, ClinGen allele CA7240777.
Genomic context (GRCh38, chr14:67,807,809, plus strand): 5'-CCTCCTCAAGCAGGAGCTCCAGCAGGGCCTGTGCTGGCTGGGGAGACTGCCTCAGGAGAT[C>G]CCAGAGCACAGAGACAGCTTCGGAGCTGAGACGAGGAGTCCAGCTCTCCCTCCTTGGATT-3'
Protein context (NP_056161.2, residues 149-169): LSSEAVSVLW[Asp159His]LLRQSPQPAQ